The following is an entry in ClinVar:

ClinVar aggregate classification (germline): Pathogenic (1 of 4 stars; one submission).

Conditions:
Primary ciliary dyskinesia. Also called: Ciliary dyskinesia. Identifiers: Orphanet 244, MedGen C0008780, MONDO:0016575, HP:0012265.

Submission:

Labcorp Genetics (formerly Invitae), Labcorp
Classification: Pathogenic for Primary ciliary dyskinesia. Last evaluated: 2019-05-09. Review status: criteria provided, single submitter. Criteria: Invitae Variant Classification Sherloc (09022015). Collection method: clinical testing. Allele origin: germline.
Comment: This sequence change creates a premature translational stop signal (p.Ala233Glyfs*50) in the DNAAF2 gene. It is expected to result in an absent or disrupted protein product. The frequency data for this variant in the population databases is considered unreliable, as metrics indicate insufficient coverage at this position in the ExAC database. This variant has not been reported in the literature in individuals with DNAAF2-related conditions. ClinVar contains an entry for this variant (Variation ID: 454905). Loss-of-function variants in DNAAF2 are known to be pathogenic (PMID: 19052621). For these reasons, this variant has been classified as Pathogenic.

Literature cited by the submitters: PubMed 19052621.

NM_018139.3(DNAAF2):c.696_702del (p.Ala233fs)

Gene: DNAAF2 (dynein axonemal assembly factor 2; minus strand). Cytogenetic location: 14q21.3.
Variant type: Deletion.
Coding change: c.696_702del on transcript NM_018139.3 (MANE Select); coding-DNA positions 696 to 702, 7 bases deleted (AGCCCCC; older notation c.696_702delAGCCCCC).
Protein change: p.Ala233fs; shifts the reading frame from alanine 233.
Molecular consequence: frameshift variant.
Genome position (GRCh38, 1-based): chr14:49,634,448-49,634,454, GGGGGCT deleted on the plus strand (AGCCCCC on the coding strand, the reverse complement: DNAAF2 is on the minus strand); deleting any 7 consecutive bases within chr14:49,634,448-49,634,455 gives the same sequence; the c. name uses the placement nearest the transcript's 3' end. VCF-style (leftmost placement, unchanged base first): chr14-49634447-CGGGGGCT-C. GRCh37 (hg19) VCF-style: chr14-50101165-CGGGGGCT-C.
Other names: c.696_702del, p.Ala233fs (NM_001083908.2); c.696_702delAGCCCCC (NM_018139.2); short protein forms A233fs.
Identifiers: ClinVar variation 454905 (VCV000454905.9), dbSNP rs1555328047, ClinGen allele CA658656422.
Genomic context (GRCh38, chr14:49,634,447, plus strand): 5'-AGCGAGGCTCGGTGGGGGCGGGCTGCAAGGCCGCTTCCGGAGGGGAGGGCGCCCGGGGCC[CGGGGGCT>C]GCCGGGTACTGGTAAGGGTAGGGGAAGTCCGGGAGAGGACCCTTCGGCTCCCCGTCAGGC-3'